The following is an entry in ClinVar:

NM_006904.7(PRKDC):c.11882T>G (p.Phe3961Cys)

Gene: PRKDC (protein kinase, DNA-activated, catalytic subunit; minus strand). Cytogenetic location: 8q11.21.
Variant type: single nucleotide variant.
Coding change: c.11882T>G on transcript NM_006904.7 (MANE Select); coding-DNA position 11882, T replaced by G.
Protein change: p.Phe3961Cys; replaces phenylalanine 3961 with cysteine.
Molecular consequence: missense variant.
Genome position (GRCh38, 1-based): chr8:47,777,846, A>C on the plus strand (T>G on the coding strand, the complement: PRKDC is on the minus strand). VCF-style: chr8-47777846-A-C. GRCh37 (hg19) VCF-style: chr8-48690407-A-C.
Other names: c.11789T>G, p.Phe3930Cys (NM_001081640.2); short protein forms F3961C, F3930C.
Identifiers: ClinVar variation 3425384 (VCV003425384.1).

ClinVar aggregate classification (germline): Uncertain significance (1 of 4 stars; one submission).

Submission:

Ambry Genetics
Classification: Uncertain significance. Last evaluated: 2024-11-01. Review status: criteria provided, single submitter. Criteria: Ambry Variant Classification Scheme 2023. Collection method: clinical testing. Allele origin: germline.
Comment: The p.F3961C variant (also known as c.11882T>G), located in coding exon 84 of the PRKDC gene, results from a T to G substitution at nucleotide position 11882. The phenylalanine at codon 3961 is replaced by cysteine, an amino acid with highly dissimilar properties. This amino acid position is conserved. In addition, this alteration is predicted to be deleterious by in silico analysis. Based on the available evidence, the clinical significance of this variant remains unclear.